The following is an entry in ClinVar:

NM_000228.3(LAMB3):c.1549C>T (p.Arg517Cys)

Gene: LAMB3 (laminin subunit beta 3; minus strand). Cytogenetic location: 1q32.2.
Variant type: single nucleotide variant.
Coding change: c.1549C>T on transcript NM_000228.3 (MANE Select); coding-DNA position 1549, C replaced by T.
Protein change: p.Arg517Cys; replaces arginine 517 with cysteine.
Molecular consequence: missense variant.
Genome position (GRCh38, 1-based): chr1:209,626,915, G>A on the plus strand (C>T on the coding strand, the complement: LAMB3 is on the minus strand). VCF-style: chr1-209626915-G-A. GRCh37 (hg19) VCF-style: chr1-209800260-G-A.
Other names: c.1549C>T, p.Arg517Cys (NM_001017402.2, NM_001127641.1); short protein forms R517C.
Identifiers: ClinVar variation 763596 (VCV000763596.16), dbSNP rs78788119, ClinGen allele CA1375550.

ClinVar aggregate classification (germline): Conflicting classifications of pathogenicity. Review status: criteria provided, conflicting classifications (1 of 4 stars). 4 submissions from 4 submitters: Uncertain significance (2); Likely benign (1). 1 of the submissions does not count toward it. Last evaluated 2026-01-22.

Conditions:
LAMB3-related disorder. Also called: LAMB3-related condition.
Junctional epidermolysis bullosa. Identifiers: Orphanet 305, MedGen C0079301, MONDO:0017612.

Allele frequency attached by ClinVar (database versions not stated): ESP Exome Variant Server 0.00008; gnomAD exomes 0.00015 and 0.00033; gnomAD 0.00020 and 0.00023; TOPMed 0.00028; ExAC 0.00035; 1000 Genomes Project 30x 0.00062; 1000 Genomes Project 0.00080.
gnomAD v4.1: 245 of 1,613,854 alleles (0.015%); highest among the groups gnomAD compares: East Asian, 0.43%; 1 homozygote.

Submissions (4):

Labcorp Genetics (formerly Invitae), Labcorp
Classification: Likely benign. Last evaluated: 2026-01-22. Review status: criteria provided, single submitter. Criteria: Invitae Variant Classification Sherloc (09022015). Collection method: clinical testing. Allele origin: germline.

GeneDx
Classification: Uncertain significance. Last evaluated: 2023-12-30. Review status: criteria provided, single submitter. Criteria: GeneDx Variant Classification Process June 2021. Collection method: clinical testing. Allele origin: germline. Affected: yes.
Comment: Has not been previously published as pathogenic or benign to our knowledge; In silico analysis supports that this missense variant does not alter protein structure/function

Illumina Laboratory Services, Illumina
Classification: Uncertain significance for Junctional epidermolysis bullosa. Last evaluated: 2018-01-13. Review status: criteria provided, single submitter. Criteria: ICSL Variant Classification Criteria 13 December 2019. Collection method: clinical testing. Allele origin: germline.

PreventionGenetics, part of Exact Sciences
Classification: Likely benign for LAMB3-related condition. Last evaluated: 2024-02-01. Review status: no assertion criteria provided. Collection method: clinical testing. Allele origin: germline. Not counted in ClinVar's aggregate classification.
Comment: This variant is classified as likely benign based on ACMG/AMP sequence variant interpretation guidelines (Richards et al. 2015 PMID: 25741868, with internal and published modifications).